The following is an entry in ClinVar:

ClinVar aggregate classification (germline): Pathogenic (1 of 4 stars; one submission).

Conditions:
Hereditary cancer-predisposing syndrome. Also called: Neoplastic Syndromes, Hereditary; Tumor predisposition; Hereditary Cancer Syndrome; Hereditary neoplastic syndrome. Identifiers: Orphanet 140162, MedGen C0027672, MeSH D009386, MONDO:0015356.

Submission:

Ambry Genetics
Classification: Pathogenic for Hereditary cancer-predisposing syndrome. Last evaluated: 2025-09-25. Review status: criteria provided, single submitter. Criteria: Ambry Variant Classification Scheme 2023. Collection method: clinical testing. Allele origin: germline.
Comment: The c.2653delG pathogenic mutation, located in coding exon 10 of the BRCA2 gene, results from a deletion of one nucleotide at nucleotide position 2653, causing a translational frameshift with a predicted alternate stop codon (p.D885Tfs*10). This variant is considered to be rare based on population cohorts in the Genome Aggregation Database (gnomAD). This alteration is expected to result in loss of function by premature protein truncation or nonsense-mediated mRNA decay. As such, this alteration is interpreted as a disease-causing mutation.

NM_000059.4(BRCA2):c.2653del (p.Asp885fs)

Gene: BRCA2 (BRCA2 DNA repair associated; plus strand). Cytogenetic location: 13q13.1.
Variant type: Deletion.
Coding change: c.2653del on transcript NM_000059.4 (MANE Select); coding-DNA position 2653, one base deleted (G; older notation c.2653delG).
Protein change: p.Asp885fs; shifts the reading frame from aspartic acid 885.
Molecular consequence: frameshift variant. On other transcripts: non-coding transcript variant (1), intron variant (2).
Genome position (GRCh38, 1-based): chr13:32,337,008, G deleted. VCF-style (leftmost placement, unchanged base first): chr13-32337007-AG-A. GRCh37 (hg19) VCF-style: chr13-32911144-AG-A.
Other names: c.2653del, p.Asp885fs (NM_001406719.1, NM_001406720.1, NM_001432077.1); c.1909+3621del (NM_001406721.1); c.424+5978del (NM_001406722.1); short protein forms D885fs.
Identifiers: ClinVar variation 4628545 (VCV004628545.1).